The following is an entry in ClinVar:

NM_018013.4(SOBP):c.2397C>T (p.Gly799=)

Gene: SOBP (sine oculis binding protein homolog; plus strand). Cytogenetic location: 6q21.
Variant type: single nucleotide variant.
Coding change: c.2397C>T on transcript NM_018013.4 (MANE Select); coding-DNA position 2397, C replaced by T.
Protein change: p.Gly799=; no amino-acid change (glycine 799 retained).
Molecular consequence: synonymous variant.
Genome position (GRCh38, 1-based): chr6:107,635,241, C>T. VCF-style: chr6-107635241-C-T. GRCh37 (hg19) VCF-style: chr6-107956445-C-T.
Identifiers: ClinVar variation 3771801 (VCV003771801.13).

ClinVar aggregate classification (germline): Likely benign (1 of 4 stars; one submission).

gnomAD v4.1: 1 of 1,613,682 alleles (0.000062%); highest among the groups gnomAD compares: Non-Finnish European, 0.000085%; no homozygotes.

Submission:

CeGaT Center for Human Genetics Tuebingen
Classification: Likely benign. Last evaluated: 2024-12-01. Review status: criteria provided, single submitter. Criteria: CeGaT Center For Human Genetics Tuebingen Variant Classification Criteria Version 2. Collection method: clinical testing. Allele origin: germline. Affected: yes. Observed: 1 variant allele.
Comment: SOBP: BP4, BP7